The following is an entry in ClinVar:

ClinVar aggregate classification (germline): Uncertain significance (1 of 4 stars; one submission).

Conditions:
Hajdu-Cheney syndrome (HJCYS). Also called: Acroosteolysis dominant type; ACROOSTEOLYSIS WITH OSTEOPOROSIS AND CHANGES IN SKULL AND MANDIBLE; SERPENTINE FIBULA-POLYCYSTIC KIDNEY SYNDROME. Identifiers: Orphanet 955, MedGen C0917715, MONDO:0007057, OMIM 102500.

Allele frequency attached by ClinVar (database versions not stated): gnomAD exomes below 0.00001; TOPMed 0.00001.
gnomAD v4.1: 7 of 1,614,060 alleles (0.00043%); highest among the groups gnomAD compares: South Asian, 0.0022%; no homozygotes.

Submission:

Labcorp Genetics (formerly Invitae), Labcorp
Classification: Uncertain significance for Hajdu-Cheney syndrome. Last evaluated: 2023-06-17. Review status: criteria provided, single submitter. Criteria: Invitae Variant Classification Sherloc (09022015). Collection method: clinical testing. Allele origin: germline.
Comment: In summary, the available evidence is currently insufficient to determine the role of this variant in disease. Therefore, it has been classified as a Variant of Uncertain Significance. Advanced modeling of protein sequence and biophysical properties (such as structural, functional, and spatial information, amino acid conservation, physicochemical variation, residue mobility, and thermodynamic stability) performed at Invitae indicates that this missense variant is expected to disrupt NOTCH2 protein function. This variant has not been reported in the literature in individuals affected with NOTCH2-related conditions. This variant is present in population databases (no rsID available, gnomAD 0.003%). This sequence change replaces threonine, which is neutral and polar, with methionine, which is neutral and non-polar, at codon 436 of the NOTCH2 protein (p.Thr436Met).

NM_024408.4(NOTCH2):c.1307C>T (p.Thr436Met)

Gene: NOTCH2 (notch receptor 2; minus strand). Cytogenetic location: 1p12.
Variant type: single nucleotide variant.
Coding change: c.1307C>T on transcript NM_024408.4 (MANE Select); coding-DNA position 1307, C replaced by T.
Protein change: p.Thr436Met; replaces threonine 436 with methionine.
Molecular consequence: missense variant.
Genome position (GRCh38, 1-based): chr1:119,967,579, G>A on the plus strand (C>T on the coding strand, the complement: NOTCH2 is on the minus strand). VCF-style: chr1-119967579-G-A. GRCh37 (hg19) VCF-style: chr1-120510202-G-A.
Other names: c.1307C>T, p.Thr436Met (NM_001200001.2); short protein forms T436M.
Identifiers: ClinVar variation 2792247 (VCV002792247.3), dbSNP rs1296386834, ClinGen allele CA341878401.
Genomic context (GRCh38, chr1:119,967,579, plus strand): 5'-TCCATCTCACAACGAGGTCCTGCATAACCCTTCAGACACTCACAGTGGAAGGCGCCATCC[G>A]TGTTCACACATTTTCCTGCATGCTCACAAGGATTGCTATTGGCTGAAAGACACAAGTACC-3'
Protein context (NP_077719.2, residues 426-446): PCEHAGKCVN[Thr436Met]DGAFHCECLK